The following is an entry in ClinVar:

NM_003504.5(CDC45):c.542+221_542+222del

Gene: CDC45 (cell division cycle 45; plus strand). Cytogenetic location: 22q11.21.
Variant type: Deletion.
Coding change: c.542+221_542+222del on transcript NM_003504.5 (MANE Select); bases 221 to 222 of the intron after coding-DNA position 542, 2 bases deleted (GT; older notation c.542+221_542+222delGT).
Molecular consequence: intron variant. On other transcripts: splice donor variant (1).
Genome position (GRCh38, 1-based): chr22:19,494,603-19,494,604, GT deleted. VCF-style (leftmost placement, unchanged base first): chr22-19494602-GGT-G. GRCh37 (hg19) VCF-style: chr22-19482125-GGT-G.
Other names: c.506+221_506+222del (NM_001369291.1); c.638+1_638+2del (NM_001178010.2); c.404+221_404+222del (NM_001178011.2).
Identifiers: ClinVar variation 1903361 (VCV001903361.6), dbSNP rs1321222066, ClinGen allele CA638349383.

ClinVar aggregate classification (germline): Conflicting classifications of pathogenicity. Review status: criteria provided, conflicting classifications (1 of 4 stars). 2 submissions from 2 submitters: Likely pathogenic (1); Uncertain significance (1). Last evaluated 2024-07-01.

Allele frequency attached by ClinVar (database versions not stated): TOPMed below 0.00001; gnomAD 0.00001; gnomAD exomes 0.00001.

Submissions (2):

Labcorp Genetics (formerly Invitae), Labcorp
Classification: Likely pathogenic. Last evaluated: 2024-07-01. Review status: criteria provided, single submitter. Criteria: Invitae Variant Classification Sherloc (09022015). Collection method: clinical testing. Allele origin: germline.
Comment: This sequence change affects a splice site in intron 7 of the CDC45 gene. It is expected to disrupt RNA splicing. Variants that disrupt the donor or acceptor splice site typically lead to a loss of protein function (PMID: 16199547), and loss-of-function variants in CDC45 are known to be pathogenic (PMID: 27374770, 30986546). This variant is present in population databases (no rsID available, gnomAD 0.004%). This variant has not been reported in the literature in individuals affected with CDC45-related conditions. ClinVar contains an entry for this variant (Variation ID: 1903361). In summary, the currently available evidence indicates that the variant is pathogenic, but additional data are needed to prove that conclusively. Therefore, this variant has been classified as Likely Pathogenic.

Blueprint Genetics
Classification: Uncertain significance. Last evaluated: 2020-12-23. Review status: criteria provided, single submitter. Criteria: ACMG Guidelines, 2015. Collection method: clinical testing. Allele origin: germline.

Literature cited by the submitters: PubMed 16199547 (cited by Labcorp Genetics (formerly Invitae), Labcorp); PubMed 27374770 (cited by Labcorp Genetics (formerly Invitae), Labcorp); PubMed 30986546 (cited by Labcorp Genetics (formerly Invitae), Labcorp).